The following is an entry in ClinVar:

ClinVar aggregate classification (germline): Uncertain significance. Review status: criteria provided, multiple submitters, no conflicts (2 of 4 stars). 2 submissions from 2 submitters: Uncertain significance (2). Last evaluated 2021-09-17.

Allele frequency attached by ClinVar (database versions not stated): gnomAD exomes 0.00001; gnomAD 0.00018 and 0.00019; 1000 Genomes Project 30x 0.00031; TOPMed 0.00039.

Submissions (2):

Ambry Genetics
Classification: Uncertain significance. Last evaluated: 2021-09-17. Review status: criteria provided, single submitter. Criteria: Ambry Variant Classification Scheme 2023. Collection method: clinical testing. Allele origin: germline.

Labcorp Genetics (formerly Invitae), Labcorp
Classification: Uncertain significance. Last evaluated: 2020-10-16. Review status: criteria provided, single submitter. Criteria: Invitae Variant Classification Sherloc (09022015). Collection method: clinical testing. Allele origin: germline.
Comment: This variant has not been reported in the literature in individuals with PLIN1-related conditions. ClinVar contains an entry for this variant (Variation ID: 842596). In summary, the available evidence is currently insufficient to determine the role of this variant in disease. Therefore, it has been classified as a Variant of Uncertain Significance. Algorithms developed to predict the effect of missense changes on protein structure and function are either unavailable or do not agree on the potential impact of this missense change (SIFT: "Tolerated"; PolyPhen-2: "Possibly Damaging"; Align-GVGD: "Class C0"). The frequency data for this variant in the population databases is considered unreliable, as metrics indicate insufficient coverage at this position in the ExAC database. This sequence change replaces leucine with phenylalanine at codon 404 of the PLIN1 protein (p.Leu404Phe). The leucine residue is moderately conserved and there is a small physicochemical difference between leucine and phenylalanine.

NM_002666.5(PLIN1):c.1210C>T (p.Leu404Phe)

Gene: PLIN1 (perilipin 1; minus strand). Cytogenetic location: 15q26.1.
Variant type: single nucleotide variant.
Coding change: c.1210C>T on transcript NM_002666.5 (MANE Select); coding-DNA position 1210, C replaced by T.
Protein change: p.Leu404Phe; replaces leucine 404 with phenylalanine.
Molecular consequence: missense variant.
Genome position (GRCh38, 1-based): chr15:89,665,942, G>A on the plus strand (C>T on the coding strand, the complement: PLIN1 is on the minus strand). VCF-style: chr15-89665942-G-A. GRCh37 (hg19) VCF-style: chr15-90209173-G-A.
Other names: c.1210C>T, p.Leu404Phe (NM_001145311.2); short protein forms L404F.
Identifiers: ClinVar variation 842596 (VCV000842596.9), dbSNP rs925767897, ClinGen allele CA274590758.